The following is an entry in ClinVar:

ClinVar aggregate classification (germline): Likely pathogenic (1 of 4 stars; one submission).

Conditions:
Fanconi anemia (FA). Also called: Fanconi's anemia. Identifiers: Orphanet 84, MedGen C0015625, MeSH D005199, MONDO:0019391.

gnomAD v4.1: 1 of 1,614,186 alleles (0.000062%); highest among the groups gnomAD compares: Admixed American, 0.0017%; no homozygotes.

Submission:

Labcorp Genetics (formerly Invitae), Labcorp
Classification: Likely pathogenic for Fanconi anemia. Last evaluated: 2024-02-16. Review status: criteria provided, single submitter. Criteria: Invitae Variant Classification Sherloc (09022015). Collection method: clinical testing. Allele origin: germline.
Comment: This sequence change affects a donor splice site in intron 33 of the FANCI gene. It is expected to disrupt RNA splicing. Variants that disrupt the donor or acceptor splice site typically lead to a loss of protein function (PMID: 16199547), and loss-of-function variants in FANCI are known to be pathogenic (PMID: 17452773, 17460694). This variant is present in population databases (no rsID available, gnomAD 0.003%). This variant has not been reported in the literature in individuals affected with FANCI-related conditions. Algorithms developed to predict the effect of sequence changes on RNA splicing suggest that this variant may disrupt the consensus splice site. In summary, the currently available evidence indicates that the variant is pathogenic, but additional data are needed to prove that conclusively. Therefore, this variant has been classified as Likely Pathogenic.

Literature cited by the submitters: PubMed 16199547; PubMed 17452773; PubMed 17460694.

NM_001113378.2(FANCI):c.3591+1G>C

Gene: FANCI (FA complementation group I; plus strand). Cytogenetic location: 15q26.1.
Variant type: single nucleotide variant.
Coding change: c.3591+1G>C on transcript NM_001113378.2 (MANE Select); the canonical splice donor site of the intron after coding-DNA position 3591, G replaced by C.
Molecular consequence: splice donor variant.
Genome position (GRCh38, 1-based): chr15:89,307,530, G>C. VCF-style: chr15-89307530-G-C. GRCh37 (hg19) VCF-style: chr15-89850761-G-C.
Other names: c.3411+1G>C (NM_018193.3); c.3591+1G>C (NM_001376911.1); c.3312+1G>C (NM_001376910.1).
Identifiers: ClinVar variation 3630653 (VCV003630653.2).